The following is an entry in ClinVar:

ClinVar aggregate classification (germline): Conflicting classifications of pathogenicity. Review status: criteria provided, conflicting classifications (1 of 4 stars). 3 submissions from 3 submitters: Uncertain significance (1); Likely benign (2). Last evaluated 2026-04-29.

Conditions:
Inborn genetic diseases. Identifiers: MedGen C0950123, MeSH D030342.

Allele frequency attached by ClinVar (database versions not stated): gnomAD 0.00001; gnomAD exomes 0.00001; TOPMed 0.00001.
gnomAD v4.1: 19 of 1,613,868 alleles (0.0012%); highest among the groups gnomAD compares: Middle Eastern, 0.016%; no homozygotes.

Submissions (3):

Ambry Genetics
Classification: Likely benign for Inborn genetic diseases. Last evaluated: 2026-04-29. Review status: criteria provided, single submitter. Criteria: Ambry Variant Classification Scheme 2023. Collection method: clinical testing. Allele origin: germline.

Labcorp Genetics (formerly Invitae), Labcorp
Classification: Uncertain significance. Last evaluated: 2025-11-12. Review status: criteria provided, single submitter. Criteria: Invitae Variant Classification Sherloc (09022015). Collection method: clinical testing. Allele origin: germline.
Comment: This sequence change falls in intron 4 of the DDX41 gene. It does not directly change the encoded amino acid sequence of the DDX41 protein. It affects a nucleotide within the consensus splice site. This variant is present in population databases (no rsID available, gnomAD 0.003%). This variant has not been reported in the literature in individuals affected with DDX41-related conditions. ClinVar contains an entry for this variant (Variation ID: 2996416). Variants that disrupt the consensus splice site are a relatively common cause of aberrant splicing (PMID: 17576681, 9536098). Algorithms developed to predict the effect of sequence changes on RNA splicing suggest that this variant is not likely to affect RNA splicing. In summary, the available evidence is currently insufficient to determine the role of this variant in disease. Therefore, it has been classified as a Variant of Uncertain Significance.

Blueprint Genetics
Classification: Likely benign. Last evaluated: 2024-08-06. Review status: criteria provided, single submitter. Criteria: ACMG Guidelines, 2015. Collection method: clinical testing. Allele origin: germline.

Literature cited by the submitters: PubMed 17576681 (cited by Labcorp Genetics (formerly Invitae), Labcorp); PubMed 9536098 (cited by Labcorp Genetics (formerly Invitae), Labcorp).

NM_016222.4(DDX41):c.373+4T>C

Gene: DDX41 (DEAD-box helicase 41; minus strand). Cytogenetic location: 5q35.3.
Variant type: single nucleotide variant.
Coding change: c.373+4T>C on transcript NM_016222.4 (MANE Select); 4 bases into the intron after coding-DNA position 373, T replaced by C.
Molecular consequence: intron variant.
Genome position (GRCh38, 1-based): chr5:177,516,115, A>G on the plus strand (T>C on the coding strand, the complement: DDX41 is on the minus strand). VCF-style: chr5-177516115-A-G. GRCh37 (hg19) VCF-style: chr5-176943116-A-G.
Other names: c.-6+4T>C (NM_001321830.2, NM_001321732.2); c.373+4T>C (NM_016222.2).
Identifiers: ClinVar variation 2996416 (VCV002996416.6), dbSNP rs1410875577, ClinGen allele CA564900600.